The following is an entry in ClinVar:

NM_002133.3(HMOX1):c.215C>T (p.Pro72Leu)

Gene: HMOX1 (heme oxygenase 1; plus strand). Cytogenetic location: 22q12.3.
Variant type: single nucleotide variant.
Coding change: c.215C>T on transcript NM_002133.3 (MANE Select); coding-DNA position 215, C replaced by T.
Protein change: p.Pro72Leu; replaces proline 72 with leucine.
Molecular consequence: missense variant.
Genome position (GRCh38, 1-based): chr22:35,386,755, C>T. VCF-style: chr22-35386755-C-T. GRCh37 (hg19) VCF-style: chr22-35782748-C-T.
Other names: short protein forms P72L.
Identifiers: ClinVar variation 2091767 (VCV002091767.4), dbSNP rs2517863931, ClinGen allele CA411352258.

ClinVar aggregate classification (germline): Uncertain significance (1 of 4 stars; one submission).

Submission:

Labcorp Genetics (formerly Invitae), Labcorp
Classification: Uncertain significance. Last evaluated: 2022-02-02. Review status: criteria provided, single submitter. Criteria: Invitae Variant Classification Sherloc (09022015). Collection method: clinical testing. Allele origin: germline.
Comment: In summary, the available evidence is currently insufficient to determine the role of this variant in disease. Therefore, it has been classified as a Variant of Uncertain Significance. Algorithms developed to predict the effect of missense changes on protein structure and function are either unavailable or do not agree on the potential impact of this missense change (SIFT: "Deleterious"; PolyPhen-2: "Benign"; Align-GVGD: "Class C0"). This variant has not been reported in the literature in individuals affected with HMOX1-related conditions. This variant is not present in population databases (gnomAD no frequency). This sequence change replaces proline, which is neutral and non-polar, with leucine, which is neutral and non-polar, at codon 72 of the HMOX1 protein (p.Pro72Leu).